The following is an entry in ClinVar:

NM_006182.4(DDR2):c.380C>T (p.Thr127Ile)

Gene: DDR2 (discoidin domain receptor tyrosine kinase 2; plus strand). Cytogenetic location: 1q23.3.
Variant type: single nucleotide variant.
Coding change: c.380C>T on transcript NM_006182.4 (MANE Select); coding-DNA position 380, C replaced by T.
Protein change: p.Thr127Ile; replaces threonine 127 with isoleucine.
Molecular consequence: missense variant.
Genome position (GRCh38, 1-based): chr1:162,754,818, C>T. VCF-style: chr1-162754818-C-T. GRCh37 (hg19) VCF-style: chr1-162724608-C-T.
Other names: c.380C>T, p.Thr127Ile (NM_001014796.3, NM_001354982.2, NM_001354983.2); short protein forms T127I.
Identifiers: ClinVar variation 1361436 (VCV001361436.8), dbSNP rs1298716106, ClinGen allele CA343405524.

ClinVar aggregate classification (germline): Uncertain significance (1 of 4 stars; one submission).

Allele frequency attached by ClinVar (database versions not stated): gnomAD exomes below 0.00001; TOPMed below 0.00001.
gnomAD v4.1: 3 of 1,614,088 alleles (0.00019%); highest among the groups gnomAD compares: Non-Finnish European, 0.00025%; no homozygotes.

Submission:

Labcorp Genetics (formerly Invitae), Labcorp
Classification: Uncertain significance. Last evaluated: 2025-06-09. Review status: criteria provided, single submitter. Criteria: Invitae Variant Classification Sherloc (09022015). Collection method: clinical testing. Allele origin: germline.
Comment: This sequence change replaces threonine, which is neutral and polar, with isoleucine, which is neutral and non-polar, at codon 127 of the DDR2 protein (p.Thr127Ile). This variant is present in population databases (no rsID available, gnomAD 0.0009%). This variant has not been reported in the literature in individuals affected with DDR2-related conditions. ClinVar contains an entry for this variant (Variation ID: 1361436). An algorithm developed to predict the effect of missense changes on protein structure and function (PolyPhen-2) suggests that this variant is likely to be tolerated. In summary, the available evidence is currently insufficient to determine the role of this variant in disease. Therefore, it has been classified as a Variant of Uncertain Significance.